The following is an entry in ClinVar:

ClinVar aggregate classification (germline): Conflicting classifications of pathogenicity. Review status: criteria provided, conflicting classifications (1 of 4 stars). 10 submissions from 10 submitters: Uncertain significance (1); Benign (3); Likely benign (5). 1 of the submissions does not count toward it. Last evaluated 2026-01-21.

Conditions:
COL6A3-related disorder. Also called: COL6A3-related disorders; COL6A3-related condition.
Dystonia 27 (DYT27). Identifiers: Orphanet 464440, MedGen C4225336, MONDO:0014627, OMIM 616411.
Collagen 6-related myopathy. Identifiers: MedGen CN117976, MONDO:0100225.
Bethlem myopathy 1A. Also called: Bethlem Muscular Dystrophy; Bethlem myopathy 1; MYOPATHY, BENIGN CONGENITAL, WITH CONTRACTURES. Identifiers: Orphanet 610, MedGen CN029274, MONDO:0024530, OMIM 158810.

Allele frequency attached by ClinVar (database versions not stated): TOPMed 0.00048; 1000 Genomes Project 0.00080; gnomAD 0.00039 and 0.00031; gnomAD exomes 0.00067 and 0.00026; 1000 Genomes Project 30x 0.00078; ExAC 0.00054.
gnomAD v4.1: 440 of 1,613,450 alleles (0.027%); highest among the groups gnomAD compares: East Asian, 0.62%; 2 homozygotes.

Submissions (10):

Labcorp Genetics (formerly Invitae), Labcorp
Classification: Likely benign for Bethlem myopathy 1A. Last evaluated: 2026-01-21. Review status: criteria provided, single submitter. Criteria: Invitae Variant Classification Sherloc (09022015). Collection method: clinical testing. Allele origin: germline.

Blueprint Genetics
Classification: Likely benign. Last evaluated: 2024-07-10. Review status: criteria provided, single submitter. Criteria: ACMG Guidelines, 2015. Collection method: clinical testing. Allele origin: germline.

CeGaT Center for Human Genetics Tuebingen
Classification: Likely benign. Last evaluated: 2022-05-01. Review status: criteria provided, single submitter. Criteria: CeGaT Center For Human Genetics Tuebingen Variant Classification Criteria Version 2. Collection method: clinical testing. Allele origin: germline. Affected: yes. Observed: 1 variant allele.
Comment: COL6A3: BS2

Women's Health and Genetics/Laboratory Corporation of America, LabCorp
Classification: Likely benign. Last evaluated: 2022-04-19. Review status: criteria provided, single submitter. Criteria: LabCorp Variant Classification Summary - May 2015. Collection method: clinical testing. Allele origin: germline.
Comment: Variant summary: COL6A3 c.4912G>A (p.Ala1638Thr) results in a non-conservative amino acid change in the encoded protein sequence. Five of five in-silico tools predict a damaging effect of the variant on protein function. The variant allele was found at a frequency of 0.00067 in 248592 control chromosomes, predominantly at a frequency of 0.0063 within the East Asian subpopulation in the gnomAD database, including 1 homozygote. The observed variant frequency within East Asian control individuals in the gnomAD database is several-fold higher than the estimated maximal expected allele frequency for a pathogenic variant in COL6A3 causing Ullrich Congenital Muscular Dystrophy 1 phenotype, strongly suggesting that the variant is a benign polymorphism found primarily in populations of East Asian origin. c.4912G>A has been reported in the literature in an individual affected with intermediate phenotype (Butterfield_2013). Furthermore, it was reported in individuals affected with neurological disease, ovarian cancer and Parkinson's disease (Wang_2019, Zhu_2020, Jin_2021), but it was also reported in healthy controls (Jin_2021). These reports do not provide unequivocal conclusions about association of the variant with Ullrich Congenital Muscular Dystrophy 1. To our knowledge, no experimental evidence demonstrating an impact on protein function has been reported. Five ClinVar submitters (evaluation after 2014) cite the variant as benign/likely benign. Based on the evidence outlined above, the variant was classified as likely benign.

Department of Neurology, Xijing Hospital, Fourth Military Medical University
Classification: Uncertain significance for Dystonia 27. Last evaluated: 2022-03-01. Review status: criteria provided, single submitter. Criteria: ACMG Guidelines, 2015. Collection method: clinical testing. Allele origin: germline.

Mendelics
Classification: Benign for Bethlem myopathy 1A. Last evaluated: 2019-05-28. Review status: criteria provided, single submitter. Criteria: Mendelics Assertion Criteria 2017. Collection method: clinical testing. Allele origin: unknown.

GeneDx
Classification: Likely benign. Last evaluated: 2018-10-05. Review status: criteria provided, single submitter. Criteria: GeneDx Variant Classification Process June 2021. Collection method: clinical testing. Allele origin: germline. Affected: yes.
Comment: This variant is associated with the following publications: (PMID: 24038877, 30687093)

Illumina Laboratory Services, Illumina
Classification: Benign for Collagen VI-related myopathy. Last evaluated: 2018-01-13. Review status: criteria provided, single submitter. Criteria: ICSL Variant Classification Criteria 13 December 2019. Collection method: clinical testing. Allele origin: germline.
Comment: This variant was observed in the ICSL laboratory as part of a predisposition screen in an ostensibly healthy population. It had not been previously curated by ICSL or reported in the Human Gene Mutation Database (HGMD: prior to June 1st, 2018), and was therefore a candidate for classification through an automated scoring system. Utilizing variant allele frequency, disease prevalence and penetrance estimates, and inheritance mode, an automated score was calculated to assess if this variant is too frequent to cause the disease. Based on the score and internal cut-off values, a variant classified as benign is not then subjected to further curation. The score for this variant resulted in a classification of benign for this disease.

Eurofins Ntd Llc (ga)
Classification: Benign. Last evaluated: 2015-01-30. Review status: criteria provided, single submitter. Criteria: EGL Classification Definitions 2015. Collection method: clinical testing. Allele origin: germline. Observed: 1 variant allele, 1 heterozygote.

PreventionGenetics, part of Exact Sciences
Classification: Likely benign for COL6A3-related condition. Last evaluated: 2024-09-17. Review status: no assertion criteria provided. Collection method: clinical testing. Allele origin: germline. Not counted in ClinVar's aggregate classification.
Comment: This variant is classified as likely benign based on ACMG/AMP sequence variant interpretation guidelines (Richards et al. 2015 PMID: 25741868, with internal and published modifications).

Literature cited by the submitters: PubMed 31265121 (cited by Women's Health and Genetics/Laboratory Corporation of America, LabCorp); PubMed 24038877 (cited by Women's Health and Genetics/Laboratory Corporation of America, LabCorp); PubMed 33964895 (cited by Women's Health and Genetics/Laboratory Corporation of America, LabCorp); PubMed 30687093 (cited by Women's Health and Genetics/Laboratory Corporation of America, LabCorp).

NM_004369.4(COL6A3):c.4912G>A (p.Ala1638Thr)

Gene: COL6A3 (collagen type VI alpha 3 chain; minus strand). Cytogenetic location: 2q37.3.
Variant type: single nucleotide variant.
Coding change: c.4912G>A on transcript NM_004369.4 (MANE Select); coding-DNA position 4912, G replaced by A.
Protein change: p.Ala1638Thr; replaces alanine 1638 with threonine.
Molecular consequence: missense variant.
Genome position (GRCh38, 1-based): chr2:237,367,275, C>T on the plus strand (G>A on the coding strand, the complement: COL6A3 is on the minus strand). VCF-style: chr2-237367275-C-T. GRCh37 (hg19) VCF-style: chr2-238275918-C-T.
Other names: p.A1638T:GCA>ACA; c.3091G>A, p.Ala1031Thr (NM_057166.5); c.4294G>A, p.Ala1432Thr (NM_057167.4); short protein forms A1638T, A1031T, A1432T.
Identifiers: ClinVar variation 162548 (VCV000162548.63), dbSNP rs114322958, ClinGen allele CA200826.